The following is an entry in ClinVar:

ClinVar aggregate classification (germline): Uncertain significance. Review status: criteria provided, multiple submitters, no conflicts (2 of 4 stars). 2 submissions from 2 submitters: Uncertain significance (2). Last evaluated 2026-07-23.

Conditions:
SCN1A-related disorder. Also called: SCN1A-related conditions; SCN1A-related condition; SCN1A-related disorders.

Submissions (2):

PreventionGenetics, part of Exact Sciences
Classification: Uncertain significance for SCN1A-related condition. Last evaluated: 2026-07-23. Review status: criteria provided, single submitter. Criteria: ACMG Guidelines, 2015. Collection method: clinical testing. Allele origin: germline.
Comment: The SCN1A c.3157_3159delGAT variant is predicted to result in an in-frame deletion (p.Asp1053del). To our knowledge, this variant has not been reported in the literature or in a large population database (gnomAD), indicating this variant is rare. At this time, the clinical significance of this variant is uncertain due to the absence of conclusive functional and genetic evidence.

Revvity Omics, Revvity
Classification: Uncertain significance. Last evaluated: 2019-11-13. Review status: criteria provided, single submitter. Criteria: ACMG Guidelines, 2015. Collection method: clinical testing. Allele origin: germline.

NM_001165963.4(SCN1A):c.3154GAT[1] (p.Asp1053del)

Genes: SCN1A (sodium voltage-gated channel alpha subunit 1; minus strand), LOC102724058 (uncharacterized LOC102724058; plus strand). Cytogenetic location: 2q24.3.
Variant type: Microsatellite.
Coding change: c.3154GAT[1] on transcript NM_001165963.4 (MANE Select); one copy of the 3-base unit GAT starting at c.3154; the reference has two copies in a row; one copy, 3 bases deleted.
Protein change: p.Asp1053del; deletes aspartic acid 1053.
Molecular consequence: inframe deletion. On other transcripts: non-coding transcript variant (2).
Genome position (GRCh38, 1-based): chr2:166,036,318-166,036,320, ATC deleted on the plus strand (GAT on the coding strand, the reverse complement: SCN1A is on the minus strand); deleting any 3 consecutive bases within chr2:166,036,318-166,036,324 gives the same sequence; the position shown is the placement nearest the transcript's 3' end. VCF-style (leftmost placement, unchanged base first): chr2-166036317-GATC-G. GRCh37 (hg19) VCF-style: chr2-166892827-GATC-G.
Other names: c.3157_3159delGAT (NM_001202435.1); c.3121GAT[1], p.Asp1042del (NM_001353952.2, NM_006920.6, NM_001353949.2 and 2 more transcripts); c.3118GAT[1], p.Asp1041del (NM_001353954.2, NM_001353955.2); c.3070GAT[1], p.Asp1025del (NM_001353957.2, NM_001353958.2, NM_001165964.3); c.3067GAT[1], p.Asp1024del (NM_001353960.2); c.712GAT[1], p.Asp239del (NM_001353961.2); c.3154GAT[1], p.Asp1053del (NM_001202435.3, NM_001353948.2); short protein forms D1024del, D1025del, D1041del, D1042del, D1053del, D239del.
Identifiers: ClinVar variation 2435672 (VCV002435672.4), dbSNP rs1696361942, ClinGen allele CA1038842785.